The following is an entry in ClinVar:

ClinVar aggregate classification (germline): Likely benign (1 of 4 stars; one submission).

Allele frequency attached by ClinVar (database versions not stated): gnomAD exomes below 0.00001.
gnomAD v4.1: 1 of 1,613,816 alleles (0.000062%); highest among the groups gnomAD compares: African/African-American, 0.0013%; no homozygotes.

Submission:

GeneDx
Classification: Likely benign. Last evaluated: 2017-07-02. Review status: criteria provided, single submitter. Criteria: GeneDx Variant Classification (06012015). Collection method: clinical testing. Allele origin: germline. Affected: yes.
Comment: This variant is considered likely benign or benign based on one or more of the following criteria: it is a conservative change, it occurs at a poorly conserved position in the protein, it is predicted to be benign by multiple in silico algorithms, and/or has population frequency not consistent with disease.

NM_000093.5(COL5A1):c.210C>T (p.Gly70=)

Gene: COL5A1 (collagen type V alpha 1 chain; plus strand). Cytogenetic location: 9q34.3.
Variant type: single nucleotide variant.
Coding change: c.210C>T on transcript NM_000093.5 (MANE Select); coding-DNA position 210, C replaced by T.
Protein change: p.Gly70=; no amino-acid change (glycine 70 retained).
Molecular consequence: synonymous variant.
Genome position (GRCh38, 1-based): chr9:134,691,012, C>T. VCF-style: chr9-134691012-C-T. GRCh37 (hg19) VCF-style: chr9-137582858-C-T.
Other names: c.210C>T, p.Gly70= (NM_001278074.1).
Identifiers: ClinVar variation 510618 (VCV000510618.1), dbSNP rs1161786135, ClinGen allele CA467652977.